The following is an entry in ClinVar:

ClinVar aggregate classification (germline): Uncertain significance (1 of 4 stars; one submission).

Conditions:
Hereditary cancer-predisposing syndrome. Also called: Neoplastic Syndromes, Hereditary; Tumor predisposition; Hereditary Cancer Syndrome; Hereditary neoplastic syndrome. Identifiers: Orphanet 140162, MedGen C0027672, MeSH D009386, MONDO:0015356.

Submission:

Ambry Genetics
Classification: Uncertain significance for Hereditary cancer-predisposing syndrome. Last evaluated: 2026-05-15. Review status: criteria provided, single submitter. Criteria: Ambry Variant Classification Scheme 2023. Collection method: clinical testing. Allele origin: germline.
Comment: The p.T613S variant (also known as c.1837A>T), located in coding exon 12 of the BRIP1 gene, results from an A to T substitution at nucleotide position 1837. The threonine at codon 613 is replaced by serine, an amino acid with similar properties. This amino acid position is conserved. In addition, this alteration is predicted to be tolerated by in silico analysis. Based on the available evidence, the clinical significance of this variant remains unclear.

NM_032043.3(BRIP1):c.1837A>T (p.Thr613Ser)

Gene: BRIP1 (BRCA1 interacting DNA helicase 1; minus strand). Cytogenetic location: 17q23.2.
Variant type: single nucleotide variant.
Coding change: c.1837A>T on transcript NM_032043.3 (MANE Select); coding-DNA position 1837, A replaced by T.
Protein change: p.Thr613Ser; replaces threonine 613 with serine.
Molecular consequence: missense variant.
Genome position (GRCh38, 1-based): chr17:61,780,359, T>A on the plus strand (A>T on the coding strand, the complement: BRIP1 is on the minus strand). VCF-style: chr17-61780359-T-A. GRCh37 (hg19) VCF-style: chr17-59857720-T-A.
Other names: short protein forms T613S.
Identifiers: ClinVar variation 4867930 (VCV004867930.1).